The following is an entry in ClinVar:

NM_000214.3(JAG1):c.19C>T (p.Arg7Cys)

Gene: JAG1 (jagged canonical Notch ligand 1; minus strand). Cytogenetic location: 20p12.2.
Variant type: single nucleotide variant.
Coding change: c.19C>T on transcript NM_000214.3 (MANE Select); coding-DNA position 19, C replaced by T.
Protein change: p.Arg7Cys; replaces arginine 7 with cysteine.
Molecular consequence: missense variant.
Genome position (GRCh38, 1-based): chr20:10,673,512, G>A on the plus strand (C>T on the coding strand, the complement: JAG1 is on the minus strand). VCF-style: chr20-10673512-G-A. GRCh37 (hg19) VCF-style: chr20-10654160-G-A.
Other names: c.19C>T, p.Arg7Cys (LRG_1191t1); short protein forms R7C.
Identifiers: ClinVar variation 498358 (VCV000498358.20), dbSNP rs563232654, ClinGen allele CA311357576.

ClinVar aggregate classification (germline): Conflicting classifications of pathogenicity. Review status: criteria provided, conflicting classifications (1 of 4 stars). 5 submissions from 5 submitters: Uncertain significance (4); Benign (1). Last evaluated 2025-09-16.

Conditions:
Alagille syndrome due to a JAG1 point mutation. Also called: HEPATIC DUCTULAR HYPOPLASIA, SYNDROMATIC; Alagille Syndrome 1; JAG1-Related Alagille Syndrome. Identifiers: Orphanet 261619, Orphanet 52, MedGen C1956125, MONDO:0016862, OMIM 118450.
Tetralogy of Fallot (TOF). Identifiers: Orphanet 3303, MedGen C0039685, MONDO:0008542, OMIM 187500, HP:0001636.
Deafness, congenital heart defects, and posterior embryotoxon (DCHE). Identifiers: MedGen C1866053, MONDO:0060713, OMIM 617992.
Charcot-Marie-Tooth disease, axonal, Type 2HH. Also called: CHARCOT-MARIE-TOOTH NEUROPATHY, TYPE 2HH. Identifiers: MedGen C5562003, MONDO:0030458, OMIM 619574.
Cardiovascular phenotype. Identifiers: MedGen CN230736.

Allele frequency attached by ClinVar (database versions not stated): gnomAD exomes 0.00001; TOPMed 0.00010; gnomAD 0.00011 and 0.00012; 1000 Genomes Project 30x 0.00016; 1000 Genomes Project 0.00020.

Submissions (5):

Labcorp Genetics (formerly Invitae), Labcorp
Classification: Benign for Alagille syndrome due to a JAG1 point mutation. Last evaluated: 2025-09-16. Review status: criteria provided, single submitter. Criteria: Invitae Variant Classification Sherloc (09022015). Collection method: clinical testing. Allele origin: germline.

Ambry Genetics
Classification: Uncertain significance for Cardiovascular phenotype. Last evaluated: 2025-08-04. Review status: criteria provided, single submitter. Criteria: Ambry Variant Classification Scheme 2023. Collection method: clinical testing. Allele origin: germline.

Fulgent Genetics
Classification: Uncertain significance for Alagille syndrome due to a JAG1 point mutation; Tetralogy of Fallot; Deafness, congenital heart defects, and posterior embryotoxon; Charcot-Marie-Tooth disease, axonal, Type 2HH. Last evaluated: 2024-02-03. Review status: criteria provided, single submitter. Criteria: ACMG Guidelines, 2015. Collection method: clinical testing. Allele origin: germline.

GeneDx
Classification: Uncertain significance. Last evaluated: 2022-11-03. Review status: criteria provided, single submitter. Criteria: GeneDx Variant Classification Process June 2021. Collection method: clinical testing. Allele origin: germline. Affected: yes.
Comment: In silico analysis supports that this missense variant does not alter protein structure/function; Has not been previously published as pathogenic or benign to our knowledge

Eurofins Ntd Llc (ga)
Classification: Uncertain significance. Last evaluated: 2017-11-09. Review status: criteria provided, single submitter. Criteria: EGL Classification Definitions 2015. Collection method: clinical testing. Allele origin: germline. Observed: 2 variant alleles, 2 heterozygotes.